The following is an entry in ClinVar:

ClinVar aggregate classification (germline): Benign/Likely benign. Review status: criteria provided, multiple submitters, no conflicts (2 of 4 stars). 3 submissions from 3 submitters: Benign (1); Likely benign (2). Last evaluated 2026-01-23.

Conditions:
Kufor-Rakeb syndrome (KRS). Also called: PARKINSON DISEASE 9, AUTOSOMAL RECESSIVE, JUVENILE-ONSET. Identifiers: Orphanet 306674, Orphanet 314632, MedGen C1847640, MONDO:0011706, OMIM 606693.
Autosomal recessive spastic paraplegia type 78. Identifiers: Orphanet 513436, MedGen C5567893, MONDO:0014975, OMIM 617225.

Allele frequency attached by ClinVar (database versions not stated): gnomAD exomes 0.00013 and 0.00031; ExAC 0.00059; ESP Exome Variant Server 0.00109; TOPMed 0.00154; gnomAD 0.00156 and 0.00163; 1000 Genomes Project 30x 0.00203; 1000 Genomes Project 0.00220.
gnomAD v4.1: 425 of 1,586,522 alleles (0.027%); highest among the groups gnomAD compares: African/African-American, 0.54%; 3 homozygotes.

Submissions (3):

Labcorp Genetics (formerly Invitae), Labcorp
Classification: Benign for Kufor-Rakeb syndrome; Autosomal recessive spastic paraplegia type 78. Last evaluated: 2026-01-23. Review status: criteria provided, single submitter. Criteria: Invitae Variant Classification Sherloc (09022015). Collection method: clinical testing. Allele origin: germline.

Blueprint Genetics
Classification: Likely benign. Last evaluated: 2024-06-04. Review status: criteria provided, single submitter. Criteria: ACMG Guidelines, 2015. Collection method: clinical testing. Allele origin: germline.

Illumina Laboratory Services, Illumina
Classification: Likely benign for Kufor-Rakeb syndrome. Last evaluated: 2018-01-13. Review status: criteria provided, single submitter. Criteria: ICSL Variant Classification Criteria 13 December 2019. Collection method: clinical testing. Allele origin: germline.
Comment: This variant was observed in the ICSL laboratory as part of a predisposition screen in an ostensibly healthy population. It had not been previously curated by ICSL or reported in the Human Gene Mutation Database (HGMD: prior to June 1st, 2018), and was therefore a candidate for classification through an automated scoring system. Utilizing variant allele frequency, disease prevalence and penetrance estimates, and inheritance mode, an automated score was calculated to assess if this variant is too frequent to cause the disease. Based on the score and internal cut-off values, a variant classified as likely benign is not then subjected to further curation. The score for this variant resulted in a classification of likely benign for this disease.

NM_022089.4(ATP13A2):c.3406-14C>T

Gene: ATP13A2 (ATPase cation transporting 13A2; minus strand). Cytogenetic location: 1p36.13.
Variant type: single nucleotide variant.
Coding change: c.3406-14C>T on transcript NM_022089.4 (MANE Select); 14 bases into the intron before coding-DNA position 3406, C replaced by T.
Molecular consequence: intron variant.
Genome position (GRCh38, 1-based): chr1:16,986,372, G>A on the plus strand (C>T on the coding strand, the complement: ATP13A2 is on the minus strand). VCF-style: chr1-16986372-G-A. GRCh37 (hg19) VCF-style: chr1-17312867-G-A.
Other names: c.3104-14C>T (NM_001141974.3); c.3391-14C>T (NM_001141973.3).
Identifiers: ClinVar variation 293766 (VCV000293766.13), dbSNP rs139088170, ClinGen allele CA636490.